The following is an entry in ClinVar:

ClinVar aggregate classification (germline): Pathogenic (1 of 4 stars; one submission).

Conditions:
Gorlin syndrome. Also called: Basal cell nevus syndrome; Nevoid Basal Cell Carcinoma Syndrome. Identifiers: Orphanet 377, MedGen C0004779, MONDO:0007187.

Submission:

Labcorp Genetics (formerly Invitae), Labcorp
Classification: Pathogenic for Gorlin syndrome. Last evaluated: 2019-09-01. Review status: criteria provided, single submitter. Criteria: Invitae Variant Classification Sherloc (09022015). Collection method: clinical testing. Allele origin: germline.
Comment: This sequence change creates a premature translational stop signal (p.Leu227*) in the PTCH1 gene. It is expected to result in an absent or disrupted protein product. This variant is not present in population databases (ExAC no frequency). For these reasons, this variant has been classified as Pathogenic. Loss-of-function variants in PTCH1 are known to be pathogenic (PMID: 16301862, 16419085). Algorithms developed to predict the effect of sequence changes on RNA splicing suggest that this variant may create or strengthen a splice site, but this prediction has not been confirmed by published transcriptional studies. This variant has not been reported in the literature in individuals with PTCH1-related conditions.

Literature cited by the submitters: PubMed 16301862; PubMed 16419085.

NM_000264.5(PTCH1):c.680T>A (p.Leu227Ter)

Gene: PTCH1 (patched 1; minus strand). Cytogenetic location: 9q22.32.
Variant type: single nucleotide variant.
Coding change: c.680T>A on transcript NM_000264.5 (MANE Select); coding-DNA position 680, T replaced by A.
Protein change: p.Leu227Ter; replaces leucine 227 with a stop codon.
Molecular consequence: nonsense. On other transcripts: non-coding transcript variant (1).
Genome position (GRCh38, 1-based): chr9:95,482,015, A>T on the plus strand (T>A on the coding strand, the complement: PTCH1 is on the minus strand). VCF-style: chr9-95482015-A-T. GRCh37 (hg19) VCF-style: chr9-98244297-A-T.
Other names: c.482T>A, p.Leu161Ter (NM_001083602.3, NM_001354919.2); c.677T>A, p.Leu226Ter (NM_001083603.3); c.227T>A, p.Leu76Ter (NM_001083604.3, NM_001083605.3, NM_001083606.3 and 1 more transcripts); c.680T>A, p.Leu227Ter (NM_001354918.2); short protein forms L161*, L226*, L227*, L76*.
Identifiers: ClinVar variation 957439 (VCV000957439.8), dbSNP rs1841576850, ClinGen allele CA374114937.